The following is an entry in ClinVar:

NM_001330078.2(NRXN1):c.3365-109836G>A

Gene: NRXN1 (neurexin 1; minus strand). Cytogenetic location: 2p16.3.
Variant type: single nucleotide variant.
Coding change: c.3365-109836G>A on transcript NM_001330078.2 (MANE Select); 109836 bases into the intron before coding-DNA position 3365, G replaced by A.
Molecular consequence: intron variant. On other transcripts: synonymous variant (4).
Genome position (GRCh38, 1-based): chr2:50,346,806, C>T on the plus strand (G>A on the coding strand, the complement: NRXN1 is on the minus strand). VCF-style: chr2-50346806-C-T. GRCh37 (hg19) VCF-style: chr2-50573944-C-T.
Other names: c.144G>A, p.Ala48= (NM_001330091.2, NM_001330092.2, NM_001330097.2 and 1 more transcripts); c.3254-109836G>A (NM_001330096.2, NM_001330087.2); c.3299-109836G>A (NM_001330083.2, NM_001330084.2); c.3284-109836G>A (NM_001330088.2); c.3362-109836G>A (NM_001330093.2); c.3353-109836G>A (NM_001330094.2); c.3314-109836G>A (NM_001330095.2); c.3341-109836G>A (NM_001330082.2, NM_001330077.2); and 3 more.
Identifiers: ClinVar variation 392859 (VCV000392859.1), dbSNP rs747566761, ClinGen allele CA16604603.

ClinVar aggregate classification (germline): Likely benign (1 of 4 stars; one submission).

gnomAD v4.1: 4 of 1,613,266 alleles (0.00025%); highest among the groups gnomAD compares: South Asian, 0.0022%; no homozygotes.

Submission:

GeneDx
Classification: Likely benign. Last evaluated: 2017-01-13. Review status: criteria provided, single submitter. Criteria: GeneDx Variant Classification (06012015). Collection method: clinical testing. Allele origin: germline. Affected: yes.
Comment: This variant is considered likely benign or benign based on one or more of the following criteria: it is a conservative change, it occurs at a poorly conserved position in the protein, it is predicted to be benign by multiple in silico algorithms, and/or has population frequency not consistent with disease.